The following is an entry in ClinVar:

ClinVar aggregate classification (germline): Uncertain significance (1 of 4 stars; one submission).

Conditions:
ATP11A-related disorder. Also called: ATP11A-related condition.

Submission:

PreventionGenetics, part of Exact Sciences
Classification: Uncertain significance for ATP11A-related condition. Last evaluated: 2023-07-20. Review status: criteria provided, single submitter. Criteria: ACMG Guidelines, 2015. Collection method: clinical testing. Allele origin: germline.
Comment: The ATP11A c.3162-3C>G variant is predicted to interfere with splicing. To our knowledge, this variant has not been reported in the literature or in a large population database, indicating this variant is rare. At this time, the clinical significance of this variant is uncertain due to the absence of conclusive functional and genetic evidence.

NM_015205.3(ATP11A):c.3162-3C>G

Gene: ATP11A (ATPase phospholipid transporting 11A; plus strand). Cytogenetic location: 13q34.
Variant type: single nucleotide variant.
Coding change: c.3162-3C>G on transcript NM_015205.3 (MANE Select); 3 bases into the intron before coding-DNA position 3162, C replaced by G.
Molecular consequence: intron variant.
Genome position (GRCh38, 1-based): chr13:112,875,773, C>G. VCF-style: chr13-112875773-C-G. GRCh37 (hg19) VCF-style: chr13-113530087-C-G.
Other names: c.3162-3C>G (NM_001405663.1, NM_001405661.1, NM_032189.4 and 1 more transcripts).
Identifiers: ClinVar variation 2631633 (VCV002631633.1), dbSNP rs2502164968, ClinGen allele CA2695199783.